The following is an entry in ClinVar:

NM_000051.4(ATM):c.6325T>C (p.Trp2109Arg)

Genes: ATM (ATM serine/threonine kinase; plus strand), C11orf65 (chromosome 11 open reading frame 65; minus strand). Cytogenetic location: 11q22.3.
Variant type: single nucleotide variant.
Coding change: c.6325T>C on transcript NM_000051.4 (MANE Select); coding-DNA position 6325, T replaced by C.
Protein change: p.Trp2109Arg; replaces tryptophan 2109 with arginine.
Molecular consequence: missense variant. On other transcripts: intron variant (2).
Genome position (GRCh38, 1-based): chr11:108,317,499, T>C. VCF-style: chr11-108317499-T-C. GRCh37 (hg19) VCF-style: chr11-108188226-T-C.
Other names: c.6325T>C, p.Trp2109Arg (NM_001351834.2); c.641-8428A>G (NM_001330368.2); c.*39-8428A>G (NM_001351110.2); short protein forms W2109R.
Identifiers: ClinVar variation 1366647 (VCV001366647.8), dbSNP rs1060501654, ClinGen allele CA382552235.

ClinVar aggregate classification (germline): Uncertain significance (1 of 4 stars; one submission).

Conditions:
Ataxia-telangiectasia syndrome (AT). Also called: Ataxia-telangiectasia; LOUIS-BAR SYNDROME; Ataxia-telangiectasia, complementation group D; AT, COMPLEMENTATION GROUP C; ATAXIA-TELANGIECTASIA, COMPLEMENTATION GROUP A; ATAXIA-TELANGIECTASIA, FRESNO VARIANT. Identifiers: Orphanet 100, MedGen C0004135, MONDO:0008840, OMIM 208900.

Submission:

Labcorp Genetics (formerly Invitae), Labcorp
Classification: Uncertain significance for Ataxia-telangiectasia syndrome. Last evaluated: 2023-12-18. Review status: criteria provided, single submitter. Criteria: Invitae Variant Classification Sherloc (09022015). Collection method: clinical testing. Allele origin: germline.
Comment: This sequence change replaces tryptophan, which is neutral and slightly polar, with arginine, which is basic and polar, at codon 2109 of the ATM protein (p.Trp2109Arg). This variant is not present in population databases (gnomAD no frequency). This variant has not been reported in the literature in individuals affected with ATM-related conditions. ClinVar contains an entry for this variant (Variation ID: 1366647). An algorithm developed to predict the effect of missense changes on protein structure and function (PolyPhen-2) suggests that this variant is likely to be disruptive. In summary, the available evidence is currently insufficient to determine the role of this variant in disease. Therefore, it has been classified as a Variant of Uncertain Significance.